The following is an entry in ClinVar:

NM_000702.4(ATP1A2):c.563_586dup (p.Asp195_Arg196insLeuValGluValLysGlyGlyAsp)

Genes: ATP1A2 (ATPase Na+/K+ transporting subunit alpha 2; plus strand), LOC126805890 (CDK7 strongly-dependent group 2 enhancer GRCh37_chr1:160093987-160095186; plus strand). Cytogenetic location: 1q23.2.
Variant type: Duplication.
Coding change: c.563_586dup on transcript NM_000702.4 (MANE Select); coding-DNA positions 563 to 586, 24 bases duplicated (TGGTGGAGGTGAAGGGTGGAGACC).
Protein change: p.Asp195_Arg196insLeuValGluValLysGlyGlyAsp.
Molecular consequence: inframe insertion.
Genome position (GRCh38, 1-based): chr1:160,124,363-160,124,386, TGGTGGAGGTGAAGGGTGGAGACC duplicated; duplicating any 24 consecutive bases within chr1:160,124,356-160,124,386 gives the same sequence; the c. name uses the placement nearest the transcript's 3' end. VCF-style (leftmost placement, unchanged base first): chr1-160124355-G-GGGAGACCTGGTGGAGGTGAAGGGT. GRCh37 (hg19) VCF-style: chr1-160094145-G-GGGAGACCTGGTGGAGGTGAAGGGT.
Identifiers: ClinVar variation 5016924 (VCV005016924.1).

ClinVar aggregate classification (germline): Uncertain significance (1 of 4 stars; one submission).

Submission:

GeneDx
Classification: Uncertain significance. Last evaluated: 2026-03-09. Review status: criteria provided, single submitter. Criteria: GeneDx Variant Classification Process June 2021. Collection method: clinical testing. Allele origin: germline.
Comment: Not observed at significant frequency in large population cohorts (gnomAD); In-frame duplication of 8 amino acid(s) in a non-repeat region; Has not been previously published as pathogenic or benign to our knowledge